The following is an entry in ClinVar:

ClinVar aggregate classification (germline): Uncertain significance. Review status: criteria provided, multiple submitters, no conflicts (2 of 4 stars). 2 submissions from 2 submitters: Uncertain significance (2). Last evaluated 2025-04-11.

Conditions:
Inborn genetic diseases. Identifiers: MedGen C0950123, MeSH D030342.
Lysinuric protein intolerance (LPI). Identifiers: Orphanet 470, MedGen C0268647, MONDO:0009109, OMIM 222700.

Allele frequency attached by ClinVar (database versions not stated): ExAC 0.00001.
gnomAD v4.1: 8 of 1,614,220 alleles (0.0005%); highest among the groups gnomAD compares: Middle Eastern, 0.016%; no homozygotes.

Submissions (2):

Ambry Genetics
Classification: Uncertain significance for Inborn genetic diseases. Last evaluated: 2025-04-11. Review status: criteria provided, single submitter. Criteria: Ambry Variant Classification Scheme 2023. Collection method: clinical testing. Allele origin: germline.

Labcorp Genetics (formerly Invitae), Labcorp
Classification: Uncertain significance for Lysinuric protein intolerance. Last evaluated: 2024-10-15. Review status: criteria provided, single submitter. Criteria: Invitae Variant Classification Sherloc (09022015). Collection method: clinical testing. Allele origin: germline.
Comment: This sequence change replaces alanine, which is neutral and non-polar, with proline, which is neutral and non-polar, at codon 295 of the SLC7A7 protein (p.Ala295Pro). This variant is present in population databases (rs765772581, gnomAD 0.003%). This variant has not been reported in the literature in individuals affected with SLC7A7-related conditions. ClinVar contains an entry for this variant (Variation ID: 1347939). An algorithm developed to predict the effect of missense changes on protein structure and function (PolyPhen-2) suggests that this variant is likely to be disruptive. In summary, the available evidence is currently insufficient to determine the role of this variant in disease. Therefore, it has been classified as a Variant of Uncertain Significance.

NM_003982.4(SLC7A7):c.883G>C (p.Ala295Pro)

Gene: SLC7A7 (solute carrier family 7 member 7; minus strand). Cytogenetic location: 14q11.2.
Variant type: single nucleotide variant.
Coding change: c.883G>C on transcript NM_003982.4 (MANE Select); coding-DNA position 883, G replaced by C.
Protein change: p.Ala295Pro; replaces alanine 295 with proline.
Molecular consequence: missense variant.
Genome position (GRCh38, 1-based): chr14:22,776,206, C>G on the plus strand (G>C on the coding strand, the complement: SLC7A7 is on the minus strand). VCF-style: chr14-22776206-C-G. GRCh37 (hg19) VCF-style: chr14-23245415-C-G.
Other names: c.883G>C, p.Ala295Pro (NM_001126105.3, NM_001126106.4); c.883G>C (NM_001126106.2); short protein forms A295P.
Identifiers: ClinVar variation 1347939 (VCV001347939.7), dbSNP rs765772581, ClinGen allele CA7104567.